The following is an entry in ClinVar:

ClinVar aggregate classification (germline): Uncertain significance (1 of 4 stars; one submission).

Conditions:
Xanthinuria type II. Also called: Xanthine dehydrogenase and aldehyde oxidase combined deficiency of; XDH and AOX dual deficiency. Identifiers: Orphanet 3467, Orphanet 93602, MedGen C1863688, MONDO:0011346, OMIM 603592.

Allele frequency attached by ClinVar (database versions not stated): gnomAD exomes below 0.00001.
gnomAD v4.1: 3 of 1,614,238 alleles (0.00019%); highest among the groups gnomAD compares: African/African-American, 0.0027%; no homozygotes.

Submission:

Labcorp Genetics (formerly Invitae), Labcorp
Classification: Uncertain significance for Xanthinuria type II. Last evaluated: 2022-04-07. Review status: criteria provided, single submitter. Criteria: Invitae Variant Classification Sherloc (09022015). Collection method: clinical testing. Allele origin: germline.
Comment: In summary, the available evidence is currently insufficient to determine the role of this variant in disease. Therefore, it has been classified as a Variant of Uncertain Significance. Algorithms developed to predict the effect of missense changes on protein structure and function are either unavailable or do not agree on the potential impact of this missense change (SIFT: "Tolerated"; PolyPhen-2: "Probably Damaging"; Align-GVGD: "Class C0"). This variant has not been reported in the literature in individuals affected with XDH-related conditions. This variant is not present in population databases (gnomAD no frequency). This sequence change replaces glycine, which is neutral and non-polar, with aspartic acid, which is acidic and polar, at codon 756 of the XDH protein (p.Gly756Asp).

NM_000379.4(XDH):c.2267G>A (p.Gly756Asp)

Gene: XDH (xanthine dehydrogenase; minus strand). Cytogenetic location: 2p23.1.
Variant type: single nucleotide variant.
Coding change: c.2267G>A on transcript NM_000379.4 (MANE Select); coding-DNA position 2267, G replaced by A.
Protein change: p.Gly756Asp; replaces glycine 756 with aspartic acid.
Molecular consequence: missense variant.
Genome position (GRCh38, 1-based): chr2:31,366,925, C>T on the plus strand (G>A on the coding strand, the complement: XDH is on the minus strand). VCF-style: chr2-31366925-C-T. GRCh37 (hg19) VCF-style: chr2-31589791-C-T.
Other names: short protein forms G756D.
Identifiers: ClinVar variation 2117877 (VCV002117877.4), dbSNP rs867386644, ClinGen allele CA44732221.